The following is an entry in ClinVar:

ClinVar aggregate classification (germline): Likely benign (1 of 4 stars; one submission).

Conditions:
USH1C-related disorder. Also called: USH1C-related condition.

Submission:

PreventionGenetics, part of Exact Sciences
Classification: Likely benign for USH1C-related condition. Last evaluated: 2026-03-31. Review status: criteria provided, single submitter. Criteria: ACMG Guidelines, 2015. Collection method: clinical testing. Allele origin: germline.
Comment: This variant is classified as likely benign based on ACMG/AMP sequence variant interpretation guidelines (Richards et al. 2015 PMID: 25741868, with internal and published modifications).

NM_153676.4(USH1C):c.496+35C>T

Gene: USH1C (USH1 protein network component harmonin; minus strand). Cytogenetic location: 11p15.1.
Variant type: single nucleotide variant.
Coding change: c.496+35C>T on transcript NM_153676.4 (MANE Select); 35 bases into the intron after coding-DNA position 496, C replaced by T.
Molecular consequence: intron variant.
Genome position (GRCh38, 1-based): chr11:17,527,188, G>A on the plus strand (C>T on the coding strand, the complement: USH1C is on the minus strand). VCF-style: chr11-17527188-G-A. GRCh37 (hg19) VCF-style: chr11-17548735-G-A.
Other names: c.496+35C>T (NM_001297764.2, NM_001440687.1, NM_001440681.1 and 5 more transcripts); c.529+35C>T (NM_001440686.1, NM_001440684.1, NM_001440679.1).
Identifiers: ClinVar variation 4982622 (VCV004982622.1).